The following is an entry in ClinVar:

ClinVar aggregate classification (germline): Uncertain significance. Review status: criteria provided, multiple submitters, no conflicts (2 of 4 stars). 2 submissions from 2 submitters: Uncertain significance (2). Last evaluated 2024-05-30.

Conditions:
Inborn genetic diseases. Identifiers: MedGen C0950123, MeSH D030342.

Allele frequency attached by ClinVar (database versions not stated): gnomAD exomes 0.00002; ExAC 0.00003; gnomAD 0.00003 and 0.00004; TOPMed 0.00003.
gnomAD v4.1: 21 of 1,607,088 alleles (0.0013%); highest among the groups gnomAD compares: Middle Eastern, 0.017%; 1 homozygote.

Submissions (2):

Ambry Genetics
Classification: Uncertain significance for Inborn genetic diseases. Last evaluated: 2024-05-30. Review status: criteria provided, single submitter. Criteria: Ambry Variant Classification Scheme 2023. Collection method: clinical testing. Allele origin: germline.

Labcorp Genetics (formerly Invitae), Labcorp
Classification: Uncertain significance. Last evaluated: 2022-08-05. Review status: criteria provided, single submitter. Criteria: Invitae Variant Classification Sherloc (09022015). Collection method: clinical testing. Allele origin: germline.
Comment: This sequence change replaces proline, which is neutral and non-polar, with leucine, which is neutral and non-polar, at codon 1744 of the CAD protein (p.Pro1744Leu). This variant is present in population databases (rs764067828, gnomAD 0.009%). This variant has not been reported in the literature in individuals affected with CAD-related conditions. ClinVar contains an entry for this variant (Variation ID: 1467337). Algorithms developed to predict the effect of missense changes on protein structure and function output the following: SIFT: "Tolerated"; PolyPhen-2: "Benign"; Align-GVGD: "Class C0". The leucine amino acid residue is found in multiple mammalian species, which suggests that this missense change does not adversely affect protein function. In summary, the available evidence is currently insufficient to determine the role of this variant in disease. Therefore, it has been classified as a Variant of Uncertain Significance.

NM_004341.5(CAD):c.5231C>T (p.Pro1744Leu)

Gene: CAD (carbamoyl-phosphate synthetase 2, aspartate transcarbamylase, and dihydroorotase; plus strand). Cytogenetic location: 2p23.3.
Variant type: single nucleotide variant.
Coding change: c.5231C>T on transcript NM_004341.5 (MANE Select); coding-DNA position 5231, C replaced by T.
Protein change: p.Pro1744Leu; replaces proline 1744 with leucine.
Molecular consequence: missense variant.
Genome position (GRCh38, 1-based): chr2:27,239,210, C>T. VCF-style: chr2-27239210-C-T. GRCh37 (hg19) VCF-style: chr2-27462078-C-T.
Other names: c.5042C>T, p.Pro1681Leu (NM_001306079.2); c.5231C>T (NM_004341.3); short protein forms P1744L, P1681L.
Identifiers: ClinVar variation 1467337 (VCV001467337.6), dbSNP rs764067828, ClinGen allele CA1573782.
Genomic context (GRCh38, chr2:27,239,210, plus strand): 5'-GCCTGGACGACCTGCTGCAGCGATTGCACCACAATCCTCGGCGCATCTTTCACCTGCCCC[C>T]GCAGGAGGACACCTATGTGGAGGTGTGGGGATGAGGCCCAGAGCAGGAGGGGGGCTCTCC-3'
Protein context (NP_004332.2, residues 1734-1754): HNPRRIFHLP[Pro1744Leu]QEDTYVEVDL